The following is an entry in ClinVar:

NM_005045.4(RELN):c.6474del (p.Cys2159fs)

Gene: RELN (reelin; minus strand). Cytogenetic location: 7q22.1.
Variant type: Deletion.
Coding change: c.6474del on transcript NM_005045.4 (MANE Select); coding-DNA position 6474, one base deleted (C; older notation c.6474delC).
Protein change: p.Cys2159fs; shifts the reading frame from cysteine 2159.
Molecular consequence: frameshift variant.
Genome position (GRCh38, 1-based): chr7:103,545,173, G deleted on the plus strand (C on the coding strand, the reverse complement: RELN is on the minus strand); the first of 2 consecutive G bases (chr7:103,545,173-103,545,174); deleting either gives the same sequence. VCF-style (leftmost placement, unchanged base first): chr7-103545172-AG-A. GRCh37 (hg19) VCF-style: chr7-103185619-AG-A.
Other names: c.6474del, p.Cys2159fs (NM_173054.3); short protein forms C2159fs.
Identifiers: ClinVar variation 1397755 (VCV001397755.6), dbSNP rs2117139699, ClinGen allele CA2573141388.

ClinVar aggregate classification (germline): Pathogenic (1 of 4 stars; one submission).

Conditions:
Norman-Roberts syndrome (LIS2). Also called: Lissencephaly 2 (Norman-Roberts type). Identifiers: Orphanet 89844, MedGen C0796089, MONDO:0009760, OMIM 257320.
Familial temporal lobe epilepsy 7. Identifiers: Orphanet 101046, MedGen C4225327, MONDO:0014639, OMIM 616436.

Submission:

Labcorp Genetics (formerly Invitae), Labcorp
Classification: Pathogenic for Familial temporal lobe epilepsy 7; Norman-Roberts syndrome. Last evaluated: 2021-08-02. Review status: criteria provided, single submitter. Criteria: Invitae Variant Classification Sherloc (09022015). Collection method: clinical testing. Allele origin: germline.
Comment: This sequence change creates a premature translational stop signal (p.Cys2159Valfs*3) in the RELN gene. It is expected to result in an absent or disrupted protein product. Loss-of-function variants in RELN are known to be pathogenic (PMID: 10973257, 26046367, 28454995). For these reasons, this variant has been classified as Pathogenic. This variant has not been reported in the literature in individuals affected with RELN-related conditions. This variant is not present in population databases (ExAC no frequency).

Literature cited by the submitters: PubMed 10973257; PubMed 26046367; PubMed 28454995.